The following is an entry in ClinVar:

NM_177939.3(P4HTM):c.489G>A (p.Ala163=)

Gene: P4HTM (prolyl 4-hydroxylase, transmembrane; plus strand). Cytogenetic location: 3p21.31.
Variant type: single nucleotide variant.
Coding change: c.489G>A on transcript NM_177939.3 (MANE Select); coding-DNA position 489, G replaced by A.
Protein change: p.Ala163=; no amino-acid change (alanine 163 retained).
Molecular consequence: synonymous variant.
Genome position (GRCh38, 1-based): chr3:49,001,490, G>A. VCF-style: chr3-49001490-G-A. GRCh37 (hg19) VCF-style: chr3-49038923-G-A.
Other names: c.489G>A, p.Ala163= (NM_177938.2).
Identifiers: ClinVar variation 4962531 (VCV004962531.2).

ClinVar aggregate classification (germline): Likely benign. Review status: criteria provided, multiple submitters, no conflicts (2 of 4 stars). 2 submissions from 2 submitters: Likely benign (2). Last evaluated 2025-10-30.

Conditions:
P4HTM-related disorder. Also called: P4HTM-related condition.

gnomAD v4.1: 136 of 1,613,888 alleles (0.0084%); highest among the groups gnomAD compares: East Asian, 0.16%; 1 homozygote.

Submissions (2):

PreventionGenetics, part of Exact Sciences
Classification: Likely benign for P4HTM-related condition. Last evaluated: 2025-10-30. Review status: criteria provided, single submitter. Criteria: ACMG Guidelines, 2015. Collection method: clinical testing. Allele origin: germline.
Comment: This variant is classified as likely benign based on ACMG/AMP sequence variant interpretation guidelines (Richards et al. 2015 PMID: 25741868, with internal and published modifications).

Blueprint Genetics
Classification: Likely benign. Last evaluated: 2024-10-18. Review status: criteria provided, single submitter. Criteria: ACMG Guidelines, 2015. Collection method: clinical testing. Allele origin: germline.